The following is an entry in ClinVar:

ClinVar aggregate classification (germline): Pathogenic/Likely pathogenic. Review status: criteria provided, multiple submitters, no conflicts (2 of 4 stars). 5 submissions from 5 submitters: Pathogenic (2); Likely pathogenic (3). Last evaluated 2025-11-17.

Conditions:
NPHS2-related disorder. Also called: NPHS2-related condition.
Steroid-resistant nephrotic syndrome. Identifiers: MedGen C0403397, MONDO:0044765, HP:0012588.
Nephrotic syndrome, type 2 (NPHS2). Also called: NEPHROTIC SYNDROME, STEROID-RESISTANT, AUTOSOMAL RECESSIVE. Identifiers: Orphanet 656, MedGen C1868672, MONDO:0010974, OMIM 600995.

Allele frequency attached by ClinVar (database versions not stated): gnomAD exomes below 0.00001.
gnomAD v4.1: 1 of 1,610,396 alleles (0.000062%); highest among the groups gnomAD compares: Non-Finnish European, 0.000085%; no homozygotes.

Submissions (5):

Natera, Inc.
Classification: Pathogenic for Steroid-resistant nephrotic syndrome. Last evaluated: 2025-11-17. Review status: criteria provided, single submitter. Criteria: Natera Variant Classification Schema (03/2026). Collection method: clinical testing. Allele origin: germline.
Comment: The c.738+1G>A variant in NPHS2 is a canonical splice donor site variant predicted to affect pre-mRNA splicing, which may result in an abnormal transcript and altered protein product. This variant is expected to result in nonsense mediated decay, truncation, or a dysfunctional protein product. This variant is rare in the general population with a frequency below the threshold expected for the associated phenotype(s). Another variant at this same site results in an alteration predicted to cause a similar molecular effect has been observed in individual(s) with the associated phenotype. Given the available evidence, this variant is classified as Pathogenic.

Genome-Nilou Lab
Classification: Likely pathogenic for Nephrotic syndrome, type 2. Last evaluated: 2023-04-11. Review status: criteria provided, single submitter. Criteria: ACMG Guidelines, 2015. Collection method: clinical testing. Allele origin: germline. Affected: no.

Labcorp Genetics (formerly Invitae), Labcorp
Classification: Pathogenic. Last evaluated: 2022-10-28. Review status: criteria provided, single submitter. Criteria: Invitae Variant Classification Sherloc (09022015). Collection method: clinical testing. Allele origin: germline.
Comment: For these reasons, this variant has been classified as Pathogenic. Algorithms developed to predict the effect of sequence changes on RNA splicing suggest that this variant may disrupt the consensus splice site. ClinVar contains an entry for this variant (Variation ID: 941972). Disruption of this splice site has been observed in individual(s) with steroid-resistant nephrotic syndrome (PMID: 28204945). In at least one individual the data is consistent with being in trans (on the opposite chromosome) from a pathogenic variant. This variant is not present in population databases (gnomAD no frequency). This sequence change affects a donor splice site in intron 5 of the NPHS2 gene. It is expected to disrupt RNA splicing. Variants that disrupt the donor or acceptor splice site typically lead to a loss of protein function (PMID: 16199547), and loss-of-function variants in NPHS2 are known to be pathogenic (PMID: 10742096, 14701729, 15253708, 23595123).

Fulgent Genetics
Classification: Likely pathogenic for Nephrotic syndrome, type 2. Last evaluated: 2022-04-25. Review status: criteria provided, single submitter. Criteria: ACMG Guidelines, 2015. Collection method: clinical testing. Allele origin: unknown.

Blueprint Genetics
Classification: Likely pathogenic for NPHS2-related disorders. Last evaluated: 2018-04-25. Review status: criteria provided, single submitter. Criteria: ACMG Guidelines, 2015. Collection method: clinical testing. Allele origin: germline. Affected: yes. Observed: 1 variant allele.

Literature cited by the submitters: PubMed 28204945 (cited by Labcorp Genetics (formerly Invitae), Labcorp); PubMed 16199547 (cited by Labcorp Genetics (formerly Invitae), Labcorp); PubMed 10742096 (cited by Labcorp Genetics (formerly Invitae), Labcorp); PubMed 14701729 (cited by Labcorp Genetics (formerly Invitae), Labcorp); PubMed 15253708 (cited by Labcorp Genetics (formerly Invitae), Labcorp); PubMed 23595123 (cited by Labcorp Genetics (formerly Invitae), Labcorp).

NM_014625.4(NPHS2):c.738+1G>A

Gene: NPHS2 (NPHS2 stomatin family member, podocin; minus strand). Cytogenetic location: 1q25.2.
Variant type: single nucleotide variant.
Coding change: c.738+1G>A on transcript NM_014625.4 (MANE Select); the canonical splice donor site of the intron after coding-DNA position 738, G replaced by A.
Molecular consequence: splice donor variant. On other transcripts: intron variant (1).
Genome position (GRCh38, 1-based): chr1:179,557,026, C>T on the plus strand (G>A on the coding strand, the complement: NPHS2 is on the minus strand). VCF-style: chr1-179557026-C-T. GRCh37 (hg19) VCF-style: chr1-179526161-C-T.
Other names: c.535-2495G>A (NM_001297575.2).
Identifiers: ClinVar variation 941972 (VCV000941972.11), dbSNP rs1673954981, ClinGen allele CA343567358.